The following is an entry in ClinVar:

ClinVar aggregate classification (germline): Benign. Review status: criteria provided, multiple submitters, no conflicts (2 of 4 stars). 2 submissions from 2 submitters: Benign (2). Last evaluated 2018-06-14.

Allele frequency attached by ClinVar (database versions not stated): 1000 Genomes Project 0.53794; 1000 Genomes Project 30x 0.53888; TOPMed 0.62687; gnomAD 0.64514 and 0.64877.
gnomAD v4.1: 535,520 of 770,676 alleles (69%); highest among the groups gnomAD compares: Non-Finnish European, 75%; 191,306 homozygotes.

Submissions (2):

GeneDx
Classification: Benign. Last evaluated: 2018-06-14. Review status: criteria provided, single submitter. Criteria: GeneDx Variant Classification (06012015). Collection method: clinical testing. Allele origin: germline. Affected: yes.
Comment: This variant is considered likely benign or benign based on one or more of the following criteria: it is a conservative change, it occurs at a poorly conserved position in the protein, it is predicted to be benign by multiple in silico algorithms, and/or has population frequency not consistent with disease.

Breakthrough Genomics
Classification: Benign. Review status: criteria provided, single submitter. Criteria: ACMG Guidelines, 2015. Collection method: not provided. Allele origin: germline. Inheritance: Autosomal recessive inheritance. Affected: yes.

NM_032578.4(MYPN):c.3286-150G>T

Gene: MYPN (myopalladin; plus strand). Cytogenetic location: 10q21.3.
Variant type: single nucleotide variant.
Coding change: c.3286-150G>T on transcript NM_032578.4 (MANE Select); 150 bases into the intron before coding-DNA position 3286, G replaced by T.
Molecular consequence: intron variant.
Genome position (GRCh38, 1-based): chr10:68,199,218, G>T. VCF-style: chr10-68199218-G-T. GRCh37 (hg19) VCF-style: chr10-69958975-G-T.
Other names: c.3286-150G>T (NM_001256267.2); c.2404-150G>T (NM_001256268.2).
Identifiers: ClinVar variation 672871 (VCV000672871.2), dbSNP rs7079385, ClinGen allele CA13222929.